The following is an entry in ClinVar:

ClinVar aggregate classification (germline): Likely benign. Review status: criteria provided, multiple submitters, no conflicts (2 of 4 stars). 2 submissions from 2 submitters: Likely benign (2). Last evaluated 2025-05-01.

Conditions:
Cataract 6 multiple types. Also called: CATARACT 6, POSTERIOR POLAR; CATARACT 6, CONGENITAL TOTAL; CATARACT, AGE-RELATED CORTICAL, 2. Identifiers: Orphanet 91492, MedGen C1861825, MONDO:0007288, OMIM 116600.

Allele frequency attached by ClinVar (database versions not stated): ExAC 0.00006; gnomAD exomes 0.00007; gnomAD 0.00029 and 0.00032; 1000 Genomes Project 30x 0.00031; ESP Exome Variant Server 0.00031; 1000 Genomes Project 0.00040; TOPMed 0.00040.
gnomAD v4.1: 110 of 1,614,226 alleles (0.0068%); highest among the groups gnomAD compares: African/African-American, 0.1%; no homozygotes.

Submissions (2):

CeGaT Center for Human Genetics Tuebingen
Classification: Likely benign. Last evaluated: 2025-05-01. Review status: criteria provided, single submitter. Criteria: CeGaT Center For Human Genetics Tuebingen Variant Classification Criteria Version 2. Collection method: clinical testing. Allele origin: germline. Affected: yes. Observed: 1 variant allele.
Comment: EPHA2: BP4, BP7

Labcorp Genetics (formerly Invitae), Labcorp
Classification: Likely benign for Cataract 6 multiple types. Last evaluated: 2024-07-02. Review status: criteria provided, single submitter. Criteria: Invitae Variant Classification Sherloc (09022015). Collection method: clinical testing. Allele origin: germline.

NM_004431.5(EPHA2):c.2238C>T (p.Leu746=)

Gene: EPHA2 (EPH receptor A2; minus strand). Cytogenetic location: 1p36.13.
Variant type: single nucleotide variant.
Coding change: c.2238C>T on transcript NM_004431.5 (MANE Select); coding-DNA position 2238, C replaced by T.
Protein change: p.Leu746=; no amino-acid change (leucine 746 retained).
Molecular consequence: synonymous variant.
Genome position (GRCh38, 1-based): chr1:16,132,151, G>A on the plus strand (C>T on the coding strand, the complement: EPHA2 is on the minus strand). VCF-style: chr1-16132151-G-A. GRCh37 (hg19) VCF-style: chr1-16458646-G-A.
Other names: c.2076C>T, p.Leu692= (NM_001329090.2).
Identifiers: ClinVar variation 703074 (VCV000703074.13), dbSNP rs145981210, ClinGen allele CA624887.